The following is an entry in ClinVar:

NM_000422.3(KRT17):c.374C>G (p.Pro125Arg)

Gene: KRT17 (keratin 17; minus strand). Cytogenetic location: 17q21.2.
Variant type: single nucleotide variant.
Coding change: c.374C>G on transcript NM_000422.3 (MANE Select); coding-DNA position 374, C replaced by G.
Protein change: p.Pro125Arg; replaces proline 125 with arginine.
Molecular consequence: missense variant.
Genome position (GRCh38, 1-based): chr17:41,624,136, G>C on the plus strand (C>G on the coding strand, the complement: KRT17 is on the minus strand). VCF-style: chr17-41624136-G-C. GRCh37 (hg19) VCF-style: chr17-39780388-G-C.
Other names: c.374C>G (NM_000422.2); short protein forms P125R.
Identifiers: ClinVar variation 1521226 (VCV001521226.4), dbSNP rs754908705, ClinGen allele CA8563781.

ClinVar aggregate classification (germline): Uncertain significance. Review status: criteria provided, multiple submitters, no conflicts (2 of 4 stars). 2 submissions from 2 submitters: Uncertain significance (2). Last evaluated 2025-01-17.

gnomAD v4.1: 19 of 1,611,848 alleles (0.0012%); highest among the groups gnomAD compares: Admixed American, 0.017%; no homozygotes.

Submissions (2):

GeneDx
Classification: Uncertain significance. Last evaluated: 2025-01-17. Review status: criteria provided, single submitter. Criteria: GeneDx Variant Classification Process June 2021. Collection method: clinical testing. Allele origin: germline. Affected: yes.
Comment: In silico analysis supports that this missense variant has a deleterious effect on protein structure/function; Has not been previously published as pathogenic or benign to our knowledge

Labcorp Genetics (formerly Invitae), Labcorp
Classification: Uncertain significance. Last evaluated: 2021-10-29. Review status: criteria provided, single submitter. Criteria: Invitae Variant Classification Sherloc (09022015). Collection method: clinical testing. Allele origin: germline.
Comment: This sequence change replaces proline, which is neutral and non-polar, with arginine, which is basic and polar, at codon 125 of the KRT17 protein (p.Pro125Arg). This variant is present in population databases (rs754908705, gnomAD 0.01%). This variant has not been reported in the literature in individuals affected with KRT17-related conditions. Algorithms developed to predict the effect of missense changes on protein structure and function are either unavailable or do not agree on the potential impact of this missense change (SIFT: "Deleterious"; PolyPhen-2: "Probably Damaging"; Align-GVGD: "Class C0"). In summary, the available evidence is currently insufficient to determine the role of this variant in disease. Therefore, it has been classified as a Variant of Uncertain Significance.